The following is an entry in ClinVar:

NM_001267550.2(TTN):c.60232G>A (p.Val20078Met)

Genes: TTN-AS1 (TTN antisense RNA 1; plus strand), TTN (titin; minus strand). Cytogenetic location: 2q31.2.
Variant type: single nucleotide variant.
Coding change: c.60232G>A on transcript NM_001267550.2 (MANE Select); coding-DNA position 60232, G replaced by A.
Protein change: p.Val20078Met; replaces valine 20078 with methionine.
Molecular consequence: missense variant.
Genome position (GRCh38, 1-based): chr2:178,591,493, C>T on the plus strand (G>A on the coding strand, the complement: TTN is on the minus strand). VCF-style: chr2-178591493-C-T. GRCh37 (hg19) VCF-style: chr2-179456220-C-T.
Other names: p.V17510M:GTG>ATG; p.Val18437Met; c.55309G>A, p.Val18437Met (NM_001256850.1); c.52528G>A, p.Val17510Met (NM_133378.4); c.33037G>A, p.Val11013Met (NM_003319.4); c.33412G>A, p.Val11138Met (NM_133432.3); c.33613G>A, p.Val11205Met (NM_133437.4); short protein forms V20078M, V17510M, V18437M, V11013M, V11138M, V11205M.
Identifiers: ClinVar variation 47160 (VCV000047160.38), dbSNP rs77351975, ClinGen allele CA283527.

ClinVar aggregate classification (germline): Benign/Likely benign. Review status: criteria provided, multiple submitters, no conflicts (2 of 4 stars). 20 submissions from 17 submitters: Benign (15); Likely benign (1). 4 of the submissions do not count toward it. Last evaluated 2026-02-01.

Conditions:
Heart failure. Identifiers: MedGen C0018801, MONDO:0005252.
Cardiomyopathy (CMYO). Also called: Cardiomyopathies. Identifiers: Orphanet 167848, MedGen C0878544, MONDO:0004994, HP:0001638. Inheritance: Various modes of inheritance.
Long QT syndrome (LQTS). Identifiers: MedGen C0023976, MeSH D008133, MONDO:0002442. Disease mechanism: loss of function. Inheritance: Various modes of inheritance.
Cardiovascular phenotype. Identifiers: MedGen CN230736.
Dilated cardiomyopathy 1G (CMD1G). Identifiers: Orphanet 154, MedGen C1858763, MONDO:0011400, OMIM 604145.
Autosomal recessive limb-girdle muscular dystrophy type 2J (LGMDR10). Also called: Limb-girdle muscular dystrophy, type 2J; MUSCULAR DYSTROPHY, LIMB-GIRDLE, AUTOSOMAL RECESSIVE 10. Identifiers: Orphanet 140922, MedGen C1837342, MONDO:0012127, OMIM 608807.
Early-onset myopathy with fatal cardiomyopathy (CMYO5). Also called: CONGENITAL MYOPATHY 5 WITH CARDIOMYOPATHY; Salih Myopathy. Identifiers: Orphanet 289377, MedGen C2673677, MONDO:0012714, OMIM 611705. Disease mechanism: loss of function.
Myopathy, myofibrillar, 9, with early respiratory failure (MFM9). Also called: MYOPATHY, PROXIMAL, WITH EARLY RESPIRATORY MUSCLE INVOLVEMENT; Myopathy, distal, with early respiratory failure, autosomal dominant; Hereditary myopathy with early respiratory failure; EDSTROM MYOPATHY. Identifiers: Orphanet 178464, Orphanet 34521, MedGen C1863599, MONDO:0011362, OMIM 603689.
Tibial muscular dystrophy (TMD). Also called: Tibial muscular dystrophy, tardive; UDD MYOPATHY; Udd Distal Myopathy – Tibial Muscular Dystrophy. Identifiers: Orphanet 609, MedGen C1838244, MONDO:0010870, OMIM 600334.

Allele frequency attached by ClinVar (database versions not stated): gnomAD exomes 0.00068 and 0.00191; ExAC 0.00217; 1000 Genomes Project 0.00479; 1000 Genomes Project 30x 0.00531; gnomAD 0.00667 and 0.00719; TOPMed 0.00698; ESP Exome Variant Server 0.00713.
gnomAD v4.1: 1,994 of 1,583,996 alleles (0.13%); highest among the groups gnomAD compares: African/African-American, 2.2%; 22 homozygotes.

Submissions (20):

Labcorp Genetics (formerly Invitae), Labcorp
Classification: Benign for Dilated cardiomyopathy 1G; Autosomal recessive limb-girdle muscular dystrophy type 2J. Last evaluated: 2026-02-01. Review status: criteria provided, single submitter. Criteria: Invitae Variant Classification Sherloc (09022015). Collection method: clinical testing. Allele origin: germline.

Molecular Diagnostic Laboratory for Inherited Cardiovascular Disease, Montreal Heart Institute
Classification: Benign. Last evaluated: 2025-04-09. Review status: criteria provided, single submitter. Criteria: ACMG Guidelines, 2015. Collection method: clinical testing. Allele origin: germline. Affected: no.

Athena Diagnostics
Classification: Benign. Last evaluated: 2024-07-31. Review status: criteria provided, single submitter. Criteria: Athena Diagnostics Criteria. Collection method: clinical testing. Allele origin: unknown.

CHEO Genetics Diagnostic Laboratory, Children's Hospital of Eastern Ontario
Classification: Benign for Cardiomyopathy. Last evaluated: 2022-11-25. Review status: criteria provided, single submitter. Criteria: ACMG Guidelines, 2015. Collection method: clinical testing. Allele origin: germline. Study: Canadian Open Genetics Repository.

Genome-Nilou Lab
Classification: Benign for Autosomal recessive limb-girdle muscular dystrophy type 2J. Last evaluated: 2021-09-10. Review status: criteria provided, single submitter. Criteria: ACMG Guidelines, 2015. Collection method: clinical testing. Allele origin: germline. Affected: no.

Genome-Nilou Lab
Classification: Benign for Myopathy, myofibrillar, 9, with early respiratory failure. Last evaluated: 2021-09-10. Review status: criteria provided, single submitter. Criteria: ACMG Guidelines, 2015. Collection method: clinical testing. Allele origin: germline. Affected: no.

Genome-Nilou Lab
Classification: Benign for Early-onset myopathy with fatal cardiomyopathy. Last evaluated: 2021-09-10. Review status: criteria provided, single submitter. Criteria: ACMG Guidelines, 2015. Collection method: clinical testing. Allele origin: germline. Affected: no.

Genome-Nilou Lab
Classification: Benign for Tibial muscular dystrophy. Last evaluated: 2021-09-10. Review status: criteria provided, single submitter. Criteria: ACMG Guidelines, 2015. Collection method: clinical testing. Allele origin: germline. Affected: no.

Women's Health and Genetics/Laboratory Corporation of America, LabCorp
Classification: Likely benign. Last evaluated: 2020-05-10. Review status: criteria provided, single submitter. Criteria: LabCorp Variant Classification Summary - May 2015. Collection method: clinical testing. Allele origin: germline.

Center for Advanced Laboratory Medicine, UC San Diego Health, University of California San Diego
Classification: Benign for Cardiomyopathy; Heart failure; Long QT Syndrome. Last evaluated: 2019-06-03. Review status: criteria provided, single submitter. Criteria: ACMG Guidelines, 2015. Collection method: clinical testing. Allele origin: germline. Affected: yes. Observed: 4 variant alleles.

Centre for Mendelian Genomics, University Medical Centre Ljubljana
Classification: Benign. Last evaluated: 2018-11-07. Review status: criteria provided, single submitter. Criteria: ACMG Guidelines, 2015. Collection method: clinical testing. Allele origin: unknown. Affected: yes.
Comment: This variant was classified as: Benign. The following ACMG criteria were applied in classifying this variant: BS1,BS2.

Ambry Genetics
Classification: Benign for Cardiovascular phenotype. Last evaluated: 2017-09-28. Review status: criteria provided, single submitter. Criteria: Ambry Autosomal Dominant and X-Linked criteria (3/2017). Collection method: clinical testing. Allele origin: germline. Observed: 1 variant allele.
Comment: General population or subpopulation frequency is too high to be a pathogenic mutation based on disease/syndrome prevalence and penetrance

Mayo Clinic Laboratories, Mayo Clinic
Classification: Benign. Last evaluated: 2016-02-19. Review status: criteria provided, single submitter. Criteria: ACMG Guidelines, 2015. Collection method: clinical testing. Allele origin: germline. Observed: 7 variant alleles.

GeneDx
Classification: Benign. Last evaluated: 2014-07-09. Review status: criteria provided, single submitter. Criteria: GeneDx Variant Classification (06012015). Collection method: clinical testing. Allele origin: germline. Affected: yes.
Comment: This variant is considered likely benign or benign based on one or more of the following criteria: it is a conservative change, it occurs at a poorly conserved position in the protein, it is predicted to be benign by multiple in silico algorithms, and/or has population frequency not consistent with disease.

Biesecker Lab/Clinical Genomics Section, National Institutes of Health
Classification: Benign. Last evaluated: 2013-06-24. Review status: criteria provided, single submitter. Criteria: Ng et al. (Circ Cardiovasc Genet. 2013). Collection method: research. Allele origin: unknown. Observed: 2 variant alleles. Study: ClinSeq.
Comment: The study set was not selected for affection status in relation to any cancer. Pathogenicity categories were based on literature curation. See Pubmed ID:23861362 for details.

Medical sequencing

Laboratory for Molecular Medicine, Mass General Brigham Personalized Medicine
Classification: Benign. Last evaluated: 2012-08-15. Review status: criteria provided, single submitter. Criteria: LMM Criteria. Collection method: clinical testing. Allele origin: germline. Observed: 10 variant alleles.
Comment: Val17510Met in Exon 253 of TTN: This variant is not expected to have clinical si gnificance because it has been identified in 2.2% (67/3038) of African American chromosomes from a broad population by the NHLBI Exome Sequencing Project (dbSNP rs77351975).

Clinical Genetics DNA and cytogenetics Diagnostics Lab, Erasmus MC, Erasmus Medical Center
Classification: Benign. Review status: no assertion criteria provided. Collection method: clinical testing. Allele origin: germline. Affected: yes. Study: VKGL Data-share Consensus. Not counted in ClinVar's aggregate classification.

Clinical Genetics, Academic Medical Center
Classification: Benign. Review status: no assertion criteria provided. Collection method: clinical testing. Allele origin: germline. Affected: yes. Study: VKGL Data-share Consensus. Not counted in ClinVar's aggregate classification.

Genome Diagnostics Laboratory, University Medical Center Utrecht
Classification: Benign. Review status: no assertion criteria provided. Collection method: clinical testing. Allele origin: germline. Affected: yes. Study: VKGL Data-share Consensus. Not counted in ClinVar's aggregate classification.

Joint Genome Diagnostic Labs from Nijmegen and Maastricht, Radboudumc and MUMC+
Classification: Benign. Review status: no assertion criteria provided. Collection method: clinical testing. Allele origin: germline. Affected: yes. Study: VKGL Data-share Consensus. Not counted in ClinVar's aggregate classification.